The following is an entry in ClinVar:

NM_001042492.3(NF1):c.1955G>A (p.Arg652His)

Gene: NF1 (neurofibromin 1; plus strand). Cytogenetic location: 17q11.2.
Variant type: single nucleotide variant.
Coding change: c.1955G>A on transcript NM_001042492.3 (MANE Select); coding-DNA position 1955, G replaced by A.
Protein change: p.Arg652His; replaces arginine 652 with histidine.
Molecular consequence: missense variant.
Genome position (GRCh38, 1-based): chr17:31,225,204, G>A. VCF-style: chr17-31225204-G-A. GRCh37 (hg19) VCF-style: chr17-29552222-G-A.
Other names: c.1955G>A, p.Arg652His (NM_000267.4); short protein forms R652H.
Identifiers: ClinVar variation 134882 (VCV000134882.17), dbSNP rs587778549, ClinGen allele CA161020.

ClinVar aggregate classification (germline): Conflicting classifications of pathogenicity. Review status: criteria provided, conflicting classifications (1 of 4 stars). 7 submissions from 7 submitters: Uncertain significance (4); Benign (1); Likely benign (1). 1 of the submissions does not count toward it. Last evaluated 2025-05-04.

Conditions:
Hereditary cancer-predisposing syndrome. Also called: Tumor predisposition; Hereditary neoplastic syndrome; Neoplastic Syndromes, Hereditary; Hereditary Cancer Syndrome. Identifiers: Orphanet 140162, MedGen C0027672, MeSH D009386, MONDO:0015356.
Cardiovascular phenotype. Identifiers: MedGen CN230736.
Neurofibromatosis, type 1 (NF1). Also called: NEUROFIBROMATOSIS, TYPE I, SOMATIC; Peripheral type neurofibromatosis; Neurofibromatosis, type I; VON RECKLINGHAUSEN DISEASE. Identifiers: Orphanet 636, MedGen C0027831, MONDO:0018975, OMIM 162200. Disease mechanism: loss of function.

Allele frequency attached by ClinVar (database versions not stated): ExAC 0.00001; gnomAD exomes 0.00001 and 0.00002.
gnomAD v4.1: 12 of 1,613,706 alleles (0.00074%); highest among the groups gnomAD compares: South Asian, 0.0099%; no homozygotes.

Submissions (7):

Labcorp Genetics (formerly Invitae), Labcorp
Classification: Benign for Neurofibromatosis, type 1. Last evaluated: 2025-05-04. Review status: criteria provided, single submitter. Criteria: Invitae Variant Classification Sherloc (09022015). Collection method: clinical testing. Allele origin: germline.

Ambry Genetics
Classification: Likely benign for Cardiovascular phenotype; Hereditary cancer-predisposing syndrome. Last evaluated: 2022-09-25. Review status: criteria provided, single submitter. Criteria: Ambry Variant Classification Scheme 2023. Collection method: clinical testing. Allele origin: germline.

Sema4
Classification: Uncertain significance for Hereditary cancer-predisposing syndrome. Last evaluated: 2022-03-17. Review status: criteria provided, single submitter. Criteria: Sema4 Curation Guidelines. Collection method: curation. Allele origin: germline.
Comment: The NF1 c.1955G>A (p.R652H) variant has been reported in healthy individuals undergoing whole genome sequencing (PMID: 24728327); however, it has not been reported in indivduals with NF-1-related disease . It was observed in 2/18388 chromosomes of the East Asian subpopulation, in the large and broad cohorts of the Genome Aggregation Database (PMID: 32461654). This variant has been reported in ClinVar (Variation ID: 134882). Functional studies have not been performed, and in silico predictions of the variant's effect on protein function are inconclusive. The evidence is insufficient to meet ACMG/AMP criteria for classifying the variant as benign or pathogenic. Thus, the clinical significance of this variant is currently uncertain.

Genome-Nilou Lab
Classification: Uncertain significance for Neurofibromatosis, type 1. Last evaluated: 2022-03-15. Review status: criteria provided, single submitter. Criteria: ACMG Guidelines, 2015. Collection method: clinical testing. Allele origin: germline. Affected: no.

Athena Diagnostics
Classification: Uncertain significance. Last evaluated: 2020-03-02. Review status: criteria provided, single submitter. Criteria: Athena Diagnostics Criteria. Collection method: clinical testing. Allele origin: unknown.

GeneDx
Classification: Uncertain significance. Last evaluated: 2019-05-15. Review status: criteria provided, single submitter. Criteria: GeneDx Variant Classification Process June 2021. Collection method: clinical testing. Allele origin: germline. Affected: yes.
Comment: In silico analysis, which includes protein predictors and evolutionary conservation, supports that this variant does not alter protein structure/function; This variant is associated with the following publications: (PMID: 27986441, 24728327, 29570743)

ITMI
No classification provided. Condition: AllHighlyPenetrant. Last evaluated: 2013-09-19. Review status: no classification provided. Collection method: reference population. Allele origin: germline. Not counted in ClinVar's aggregate classification.
Comment: Please see associated publication for description of ethnicities

Literature cited by the submitters: PubMed 24728327 (cited by 3 submitters); PubMed 27986441 (cited by Athena Diagnostics).